The following is an entry in ClinVar:

ClinVar aggregate classification (germline): Uncertain significance (1 of 4 stars; one submission).

Conditions:
Inborn genetic diseases. Identifiers: MedGen C0950123, MeSH D030342.

Submission:

Ambry Genetics
Classification: Uncertain significance for Inborn genetic diseases. Last evaluated: 2026-06-09. Review status: criteria provided, single submitter. Criteria: Ambry Variant Classification Scheme 2023. Collection method: clinical testing. Allele origin: germline.
Comment: The p.V567L variant (also known as c.1699G>T), located in coding exon 2 of the CHD7 gene, results from a G to T substitution at nucleotide position 1699. The valine at codon 567 is replaced by leucine, an amino acid with highly similar properties. This amino acid position is conserved. In addition, the in silico prediction for this alteration is inconclusive. Based on the available evidence, the clinical significance of this variant remains unclear.

NM_017780.4(CHD7):c.1699G>T (p.Val567Leu)

Genes: CHD7 (chromodomain helicase DNA binding protein 7; plus strand), LOC126860403 (CDK7 strongly-dependent group 2 enhancer GRCh37_chr8:61693034-61694233; plus strand). Cytogenetic location: 8q12.2.
Variant type: single nucleotide variant.
Coding change: c.1699G>T on transcript NM_017780.4 (MANE Select); coding-DNA position 1699, G replaced by T.
Protein change: p.Val567Leu; replaces valine 567 with leucine.
Molecular consequence: missense variant.
Genome position (GRCh38, 1-based): chr8:60,781,033, G>T. VCF-style: chr8-60781033-G-T. GRCh37 (hg19) VCF-style: chr8-61693592-G-T.
Other names: c.1699G>T, p.Val567Leu (NM_001316690.1); short protein forms V567L.
Identifiers: ClinVar variation 4868898 (VCV004868898.1).